The following is an entry in ClinVar:

ClinVar aggregate classification (germline): Uncertain significance (1 of 4 stars; one submission).

Conditions:
Hypertrophic cardiomyopathy. Also called: HYPERTROPHIC MYOCARDIOPATHY. Identifiers: Orphanet 217569, MedGen C0007194, MeSH D002312, MONDO:0005045, HP:0001639.

Allele frequency attached by ClinVar (database versions not stated): gnomAD exomes below 0.00001; ExAC 0.00001; gnomAD 0.00001.

Submission:

Labcorp Genetics (formerly Invitae), Labcorp
Classification: Uncertain significance for Hypertrophic cardiomyopathy. Last evaluated: 2019-07-26. Review status: criteria provided, single submitter. Criteria: Invitae Variant Classification Sherloc (09022015). Collection method: clinical testing. Allele origin: germline.
Comment: This sequence change falls in intron 2 of the TNNI3 gene. It does not directly change the encoded amino acid sequence of the TNNI3 protein. This variant is present in population databases (rs760978520, ExAC 0.002%). This variant has not been reported in the literature in individuals with TNNI3-related conditions. Algorithms developed to predict the effect of sequence changes on RNA splicing suggest that this variant may disrupt the consensus splice site, but this prediction has not been confirmed by published transcriptional studies. In summary, the available evidence is currently insufficient to determine the role of this variant in disease. Therefore, it has been classified as a Variant of Uncertain Significance.

NM_000363.5(TNNI3):c.25-6A>G

Gene: TNNI3 (troponin I3, cardiac type; minus strand). Cytogenetic location: 19q13.42.
Variant type: single nucleotide variant.
Coding change: c.25-6A>G on transcript NM_000363.5 (MANE Select); 6 bases into the intron before coding-DNA position 25, A replaced by G.
Molecular consequence: intron variant.
Genome position (GRCh38, 1-based): chr19:55,157,139, T>C on the plus strand (A>G on the coding strand, the complement: TNNI3 is on the minus strand). VCF-style: chr19-55157139-T-C. GRCh37 (hg19) VCF-style: chr19-55668507-T-C.
Identifiers: ClinVar variation 949438 (VCV000949438.9), dbSNP rs760978520, ClinGen allele CA050896.